The following is an entry in ClinVar:

ClinVar aggregate classification (germline): Uncertain significance. Review status: criteria provided, single submitter (1 of 4 stars). 3 submissions from 3 submitters: Uncertain significance (1). 2 of the submissions do not count toward it. Last evaluated 2019-08-21.

Conditions:
Perrault syndrome. Also called: Gonadal dysgenesis with auditory dysfunction, autosomal recessive inheritance. Identifiers: Orphanet 2855, MedGen C0685838, MONDO:0017312.
Perrault syndrome 4 (PRLTS4). Identifiers: Orphanet 2855, MedGen C3809105, MONDO:0014126, OMIM 615300.

Allele frequency attached by ClinVar (database versions not stated): ExAC 0.00001; gnomAD 0.00001; gnomAD exomes 0.00002; 1000 Genomes Project 30x 0.00016; 1000 Genomes Project 0.00020.
gnomAD v4.1: 25 of 1,613,974 alleles (0.0015%); highest among the groups gnomAD compares: East Asian, 0.04%; no homozygotes.

Submissions (3):

GeneDx
Classification: Uncertain significance. Last evaluated: 2019-08-21. Review status: criteria provided, single submitter. Criteria: GeneDx Variant Classification Process June 2021. Collection method: clinical testing. Allele origin: germline. Affected: yes.
Comment: Identified with a second variant in trans in siblings with Perrault syndrome in published literature (Kosaki et al., 2018); In silico analysis, which includes protein predictors and evolutionary conservation, supports a deleterious effect; This variant is associated with the following publications: (PMID: 29205794, 32369273)

OMIM
Classification: Pathogenic for PERRAULT SYNDROME 4. Last evaluated: 2021-01-15. Review status: no assertion criteria provided. Collection method: literature only. Allele origin: germline. Not counted in ClinVar's aggregate classification.

GeneReviews
No classification provided. Condition: Perrault syndrome. Review status: no classification provided. Collection method: literature only. Allele origin: germline. Not counted in ClinVar's aggregate classification.

Literature cited by the submitters: PubMed 29205794 (cited by OMIM).

NM_015340.4(LARS2):c.1556C>T (p.Thr519Met)

Genes: LARS2 (leucyl-tRNA synthetase 2, mitochondrial; plus strand), LARS2-AS1 (LARS2 antisense RNA 1; minus strand). Cytogenetic location: 3p21.31.
Variant type: single nucleotide variant.
Coding change: c.1556C>T on transcript NM_015340.4 (MANE Select); coding-DNA position 1556, C replaced by T.
Protein change: p.Thr519Met; replaces threonine 519 with methionine.
Molecular consequence: missense variant.
Genome position (GRCh38, 1-based): chr3:45,496,307, C>T. VCF-style: chr3-45496307-C-T. GRCh37 (hg19) VCF-style: chr3-45537799-C-T.
Other names: c.1556C>T, p.Thr519Met (NM_001368263.1); c.1556C>T (NM_015340.3); short protein forms T519M.
Identifiers: ClinVar variation 992953 (VCV000992953.4), dbSNP rs141097216, ClinGen allele CA2349638.
Genomic context (GRCh38, chr3:45,496,307, plus strand): 5'-CAATTGATGAATTTCATTTCTTTCTTAGGTGCAAGGGAGCAGCCAAGAGAGAGACAGACA[C>T]GATGGATACCTTTGTTGATTCTGCTTGGTACTACTTCAGATACACTGACCCTCATAATCC-3'
Protein context (NP_056155.1, residues 509-529): CKGAAKRETD[Thr519Met]MDTFVDSAWY